The following is an entry in ClinVar:

NM_001378418.1(TCF20):c.4811T>C (p.Ile1604Thr)

Gene: TCF20 (transcription factor 20; minus strand). Cytogenetic location: 22q13.2.
Variant type: single nucleotide variant.
Coding change: c.4811T>C on transcript NM_001378418.1 (MANE Select); coding-DNA position 4811, T replaced by C.
Protein change: p.Ile1604Thr; replaces isoleucine 1604 with threonine.
Molecular consequence: missense variant.
Genome position (GRCh38, 1-based): chr22:42,210,495, A>G on the plus strand (T>C on the coding strand, the complement: TCF20 is on the minus strand). VCF-style: chr22-42210495-A-G. GRCh37 (hg19) VCF-style: chr22-42606501-A-G.
Other names: c.4811T>C, p.Ile1604Thr (NM_005650.4, NM_181492.3); short protein forms I1604T.
Identifiers: ClinVar variation 2554780 (VCV002554780.6), dbSNP rs1457495332, ClinGen allele CA411783261.

ClinVar aggregate classification (germline): Uncertain significance. Review status: criteria provided, multiple submitters, no conflicts (2 of 4 stars). 3 submissions from 3 submitters: Uncertain significance (3). Last evaluated 2025-03-04.

Conditions:
Inborn genetic diseases. Identifiers: MedGen C0950123, MeSH D030342.

Allele frequency attached by ClinVar (database versions not stated): gnomAD exomes below 0.00001.
gnomAD v4.1: 5 of 1,614,160 alleles (0.00031%); highest among the groups gnomAD compares: Non-Finnish European, 0.00034%; no homozygotes.

Submissions (3):

Women's Health and Genetics/Laboratory Corporation of America, LabCorp
Classification: Uncertain significance. Last evaluated: 2025-03-04. Review status: criteria provided, single submitter. Criteria: LabCorp Variant Classification Summary - May 2015. Collection method: clinical testing. Allele origin: germline.
Comment: Variant summary: TCF20 c.4811T>C (p.Ile1604Thr) results in a non-conservative amino acid change in the encoded protein sequence. Three of five in-silico tools predict a damaging effect of the variant on protein function. The variant was absent in 251486 control chromosomes (gnomAD). The available data on variant occurrences in the general population are insufficient to allow any conclusion about variant significance. To our knowledge, no occurrence of c.4811T>C in individuals affected with Developmental Delay With Variable Intellectual Impairment And Behavioral Abnormalities and no experimental evidence demonstrating its impact on protein function have been reported. ClinVar contains an entry for this variant (Variation ID: 2554780). Based on the evidence outlined above, the variant was classified as uncertain significance.

Labcorp Genetics (formerly Invitae), Labcorp
Classification: Uncertain significance. Last evaluated: 2024-10-09. Review status: criteria provided, single submitter. Criteria: Invitae Variant Classification Sherloc (09022015). Collection method: clinical testing. Allele origin: germline.
Comment: This sequence change replaces isoleucine, which is neutral and non-polar, with threonine, which is neutral and polar, at codon 1604 of the TCF20 protein (p.Ile1604Thr). This variant is not present in population databases (gnomAD no frequency). This variant has not been reported in the literature in individuals affected with TCF20-related conditions. ClinVar contains an entry for this variant (Variation ID: 2554780). An algorithm developed to predict the effect of missense changes on protein structure and function (PolyPhen-2) suggests that this variant is likely to be disruptive. In summary, the available evidence is currently insufficient to determine the role of this variant in disease. Therefore, it has been classified as a Variant of Uncertain Significance.

Ambry Genetics
Classification: Uncertain significance for Inborn genetic diseases. Last evaluated: 2023-06-01. Review status: criteria provided, single submitter. Criteria: Ambry Variant Classification Scheme 2023. Collection method: clinical testing. Allele origin: germline.